The following is an entry in ClinVar:

ClinVar aggregate classification (germline): Uncertain significance (1 of 4 stars; one submission).

Conditions:
Cystic fibrosis (CF). Also called: MUCOVISCIDOSIS. Identifiers: Orphanet 586, MedGen C0010674, MONDO:0009061, OMIM 219700. Disease mechanism: loss of function.

Submission:

Ambry Genetics
Classification: Uncertain significance for Cystic fibrosis. Last evaluated: 2023-02-27. Review status: criteria provided, single submitter. Criteria: Ambry Variant Classification Scheme 2023. Collection method: clinical testing. Allele origin: germline.
Comment: The p.S1094P variant (also known as c.3280T>C), located in coding exon 20 of the CFTR gene, results from a T to C substitution at nucleotide position 3280. The serine at codon 1094 is replaced by proline, an amino acid with similar properties. This amino acid position is well conserved in available vertebrate species. In addition, this alteration is predicted to be deleterious by in silico analysis. Since supporting evidence is limited at this time, the clinical significance of this alteration remains unclear.

NM_000492.4(CFTR):c.3280T>C (p.Ser1094Pro)

Genes: CFTR (CF transmembrane conductance regulator; plus strand), CFTR-AS2 (CFTR antisense RNA 2; minus strand), LOC111674472 (DNase I hypersensitive sites in introns 16 and 17a of CFTR; plus strand). Cytogenetic location: 7q31.2.
Variant type: single nucleotide variant.
Coding change: c.3280T>C on transcript NM_000492.4 (MANE Select); coding-DNA position 3280, T replaced by C.
Protein change: p.Ser1094Pro; replaces serine 1094 with proline.
Molecular consequence: missense variant.
Genome position (GRCh38, 1-based): chr7:117,611,721, T>C. VCF-style: chr7-117611721-T-C. GRCh37 (hg19) VCF-style: chr7-117251775-T-C.
Other names: short protein forms S1094P.
Identifiers: ClinVar variation 2453664 (VCV002453664.2), dbSNP rs2485130484, ClinGen allele CA368992363.